The following is an entry in ClinVar:

NM_000038.6(APC):c.7239G>C (p.Lys2413Asn)

Gene: APC (APC regulator of Wnt signaling pathway; plus strand). Cytogenetic location: 5q22.2.
Variant type: single nucleotide variant.
Coding change: c.7239G>C on transcript NM_000038.6 (MANE Select); coding-DNA position 7239, G replaced by C.
Protein change: p.Lys2413Asn; replaces lysine 2413 with asparagine.
Molecular consequence: missense variant.
Genome position (GRCh38, 1-based): chr5:112,842,833, G>C. VCF-style: chr5-112842833-G-C. GRCh37 (hg19) VCF-style: chr5-112178530-G-C.
Other names: c.7062G>C, p.Lys2354Asn (NM_001354901.2); c.6966G>C, p.Lys2322Asn (NM_001354902.2); c.6936G>C, p.Lys2312Asn (NM_001354903.2); c.6861G>C, p.Lys2287Asn (NM_001354904.2); c.6759G>C, p.Lys2253Asn (NM_001354905.2); c.6390G>C, p.Lys2130Asn (NM_001354906.2); c.7239G>C, p.Lys2413Asn (NM_001127510.3, NM_001354895.2); c.7185G>C, p.Lys2395Asn (NM_001127511.3); and 5 more; short protein forms K2354N, K2372N, K2413N, K2423N, K2253N, K2287N, K2312N, K2385N.
Identifiers: ClinVar variation 834442 (VCV000834442.13), dbSNP rs773598516, ClinGen allele CA16037099.

ClinVar aggregate classification (germline): Uncertain significance. Review status: criteria provided, multiple submitters, no conflicts (2 of 4 stars). 3 submissions from 3 submitters: Uncertain significance (3). Last evaluated 2025-12-07.

Conditions:
Hereditary cancer-predisposing syndrome. Also called: Neoplastic Syndromes, Hereditary; Tumor predisposition; Hereditary Cancer Syndrome; Hereditary neoplastic syndrome. Identifiers: Orphanet 140162, MedGen C0027672, MeSH D009386, MONDO:0015356.
Familial adenomatous polyposis 1 (FAP1). Also called: POLYPOSIS, ADENOMATOUS INTESTINAL; FAMILIAL ADENOMATOUS POLYPOSIS 1, ATTENUATED. Identifiers: MedGen C2713442, MONDO:0021056, OMIM 175100. Disease mechanism: loss of function.

gnomAD v4.1: 1 of 1,613,804 alleles (0.000062%); no homozygotes.

Submissions (3):

Ambry Genetics
Classification: Uncertain significance for Hereditary cancer-predisposing syndrome. Last evaluated: 2025-12-07. Review status: criteria provided, single submitter. Criteria: Ambry Variant Classification Scheme 2023. Collection method: clinical testing. Allele origin: germline.
Comment: The p.K2413N variant (also known as c.7239G>C), located in coding exon 15 of the APC gene, results from a G to C substitution at nucleotide position 7239. The lysine at codon 2413 is replaced by asparagine, an amino acid with similar properties. This amino acid position is conserved. In addition, in silico predictors for this gene do not accurately predict pathogenicity. Based on the available evidence, the clinical significance of this variant remains unclear.

Labcorp Genetics (formerly Invitae), Labcorp
Classification: Uncertain significance for Familial adenomatous polyposis 1. Last evaluated: 2024-07-25. Review status: criteria provided, single submitter. Criteria: Invitae Variant Classification Sherloc (09022015). Collection method: clinical testing. Allele origin: germline.
Comment: This sequence change replaces lysine, which is basic and polar, with asparagine, which is neutral and polar, at codon 2413 of the APC protein (p.Lys2413Asn). This variant is not present in population databases (gnomAD no frequency). This variant has not been reported in the literature in individuals affected with APC-related conditions. ClinVar contains an entry for this variant (Variation ID: 834442). Advanced modeling of protein sequence and biophysical properties (such as structural, functional, and spatial information, amino acid conservation, physicochemical variation, residue mobility, and thermodynamic stability) performed at Invitae indicates that this missense variant is not expected to disrupt APC protein function with a negative predictive value of 95%. In summary, the available evidence is currently insufficient to determine the role of this variant in disease. Therefore, it has been classified as a Variant of Uncertain Significance.

Blueprint Genetics
Classification: Uncertain significance. Last evaluated: 2019-12-04. Review status: criteria provided, single submitter. Criteria: ACMG Guidelines, 2015. Collection method: clinical testing. Allele origin: germline.